The following is an entry in ClinVar:

ClinVar aggregate classification (germline): Pathogenic/Likely pathogenic. Review status: criteria provided, multiple submitters, no conflicts (2 of 4 stars). 7 submissions from 7 submitters: Pathogenic (4); Likely pathogenic (2). 1 of the submissions does not count toward it. Last evaluated 2026-02-03.

Conditions:
MHC class II deficiency. Also called: BLS, TYPE II; Bare lymphocyte syndrome 2. Identifiers: Orphanet 572, MedGen C5447452, MONDO:0008855.
MHC class II deficiency 1 (MHC2D1). Also called: SCID, HLA CLASS II-NEGATIVE; Bare lymphocyte syndrome type 2, complementation group A; BARE LYMPHOCYTE SYNDROME, TYPE II, COMPLEMENTATION GROUP A. Identifiers: MedGen C1859534, MONDO:0971005, OMIM 209920.

Allele frequency attached by ClinVar (database versions not stated): gnomAD exomes 0.00001; gnomAD 0.00003; TOPMed 0.00003; ESP Exome Variant Server 0.00008; ExAC 0.00002.
gnomAD v4.1: 18 of 1,613,290 alleles (0.0011%); highest among the groups gnomAD compares: Admixed American, 0.0017%; no homozygotes.

Submissions (7):

GeneDx
Classification: Likely pathogenic. Last evaluated: 2026-02-03. Review status: criteria provided, single submitter. Criteria: GeneDx Variant Classification Process June 2021. Collection method: clinical testing. Allele origin: germline.
Comment: Published functional studies suggest a damaging effect on splicing (PMID: 8402893); Canonical splice site variant predicted to result in an in-frame loss of the adjacent exon in a gene for which loss of function is a known mechanism of disease; This variant is associated with the following publications: (PMID: 25525159, 8402893, 31980526, 30609409)

Natera, Inc.
Classification: Likely pathogenic for Bare lymphocyte syndrome type II. Last evaluated: 2025-11-04. Review status: criteria provided, single submitter. Criteria: Natera Variant Classification Schema (03/2026). Collection method: clinical testing. Allele origin: germline.
Comment: The c.2888+1G>A variant in CIITA is a canonical splice donor site variant predicted to affect pre-mRNA splicing, which may result in an abnormal transcript and altered protein product. This variant may result in a truncated or dysfunctional protein product. This variant is rare in the general population with a frequency below the threshold expected for the associated phenotype(s). This variant has been observed in one or more individuals affected with the associated recessive disease, as either homozygous or compound heterozygous with a second variant (PMID: 8402893). Functional studies show that this variant may disrupt protein function (PMID: 8402893). Given the available evidence, this variant is classified as Likely Pathogenic.

Labcorp Genetics (formerly Invitae), Labcorp
Classification: Pathogenic for MHC class II deficiency. Last evaluated: 2025-10-01. Review status: criteria provided, single submitter. Criteria: Invitae Variant Classification Sherloc (09022015). Collection method: clinical testing. Allele origin: germline.
Comment: This sequence change affects a donor splice site in intron 13 of the CIITA gene. RNA analysis indicates that disruption of this splice site induces altered splicing and likely results in a shortened protein product. The frequency data for this variant in the population databases is considered unreliable, as metrics indicate poor data quality at this position in the gnomAD database. Disruption of this splice site has been observed in individual(s) with bare lymophocyte syndrome (PMID: 8402893). ClinVar contains an entry for this variant (Variation ID: 501277). Studies have shown that disruption of this splice site results in skipping of exon 13, but is expected to preserve the integrity of the reading-frame (PMID: 8402893). For these reasons, this variant has been classified as Pathogenic.

Women's Health and Genetics/Laboratory Corporation of America, LabCorp
Classification: Pathogenic for MHC class II deficiency. Last evaluated: 2023-09-08. Review status: criteria provided, single submitter. Criteria: LabCorp Variant Classification Summary - May 2015. Collection method: clinical testing. Allele origin: germline.
Comment: Variant summary: CIITA c.2888+1G>A is located in a canonical splice-site and is predicted to affect mRNA splicing resulting in a significantly altered protein due to either exon skipping, shortening, or inclusion of intronic material. Several computational tools predict a significant impact on normal splicing: Three predict the variant abolishes a 5 splicing donor site. At least one publication reports experimental evidence that this variant affects mRNA splicing (Steimle_1993). The variant allele was found at a frequency of 8e-06 in 250554 control chromosomes (gnomAD). c.2888+1G>A has been reported in the literature in at least one individual affected with Bare Lymphocyte Syndrome 2 - CIITA Related (Steimle_1993). These data do not allow any conclusion about variant significance. The following publications have been ascertained in the context of this evaluation (PMID: 30609409, 31980526, 8402893). Five submitters have cited clinical-significance assessments for this variant to ClinVar after 2014 and classified this variant as uncertain significance (n=1) and pathogenic (n=4). Based on the evidence outlined above, the variant was classified as pathogenic.

Eurofins Ntd Llc (ga)
Classification: Pathogenic. Last evaluated: 2017-04-10. Review status: criteria provided, single submitter. Criteria: EGL Classification Definitions 2015. Collection method: clinical testing. Allele origin: germline. Observed: 1 variant allele, 1 heterozygote.

Laboratory for Molecular Medicine, Mass General Brigham Personalized Medicine
Classification: Pathogenic for Bare lymphocyte syndrome 2. Last evaluated: 2016-04-01. Review status: criteria provided, single submitter. Criteria: LMM Criteria. Collection method: clinical testing. Allele origin: germline. Inheritance: Autosomal recessive inheritance. Observed: 1 variant allele.
Comment: The c.2888+1G>A variant in CIITA has been reported in 1 homozygous individual wi th Bare lymphocyte syndrome (also known as MHC class II immunodeficiency) and wa s shown to lead to exon skipping, predicting a 24 amino acid deletion (Steimle 1 993). This variant has also been identified in 2/116,204 of chromosomes by the E xome Aggregation Consortium (ExAC; dbSNP rs37282 6934). Although this variant has been seen in the general population, its freque ncy is low enough to be consistent with a recessive carrier frequency. In summar y, the c.2888+1G>A variant is classified as pathogenic for Bare lymphocyte syndr ome type II in an autosomal recessive manner based on case observation and funct ional analysis.

OMIM
Classification: Pathogenic for MHC CLASS II DEFICIENCY 1. Last evaluated: 2001-11-01. Review status: no assertion criteria provided. Collection method: literature only. Allele origin: germline. Not counted in ClinVar's aggregate classification.

Literature cited by the submitters: PubMed 8402893 (cited by 5 submitters); PubMed 30609409 (cited by Women's Health and Genetics/Laboratory Corporation of America, LabCorp); PubMed 31980526 (cited by Women's Health and Genetics/Laboratory Corporation of America, LabCorp); PubMed 11704716 (cited by OMIM).

NM_000246.4(CIITA):c.2888+1G>A

Gene: CIITA (class II major histocompatibility complex transactivator; plus strand). Cytogenetic location: 16p13.13.
Variant type: single nucleotide variant.
Coding change: c.2888+1G>A on transcript NM_000246.4 (MANE Select); the canonical splice donor site of the intron after coding-DNA position 2888, G replaced by A.
Molecular consequence: splice donor variant.
Genome position (GRCh38, 1-based): chr16:10,910,260, G>A. VCF-style: chr16-10910260-G-A. GRCh37 (hg19) VCF-style: chr16-11004117-G-A.
Other names: IVS13DS, G-A, +1; c.2891+1G>A (NM_001286402.1, NM_001379332.1); c.2744+1G>A (NM_001379330.1); c.2888+1G>A (NM_001379333.1); c.2741+1G>A (NM_001379331.1); c.1136+1G>A (NM_001286403.2); c.2819+1G>A (NM_001379334.1).
Identifiers: ClinVar variation 501277 (VCV000501277.30), dbSNP rs372826934, ClinGen allele CA7900531.